The following is an entry in ClinVar:

NM_020461.4(TUBGCP6):c.3082C>T (p.Gln1028Ter)

Gene: TUBGCP6 (tubulin gamma complex component 6; minus strand). Cytogenetic location: 22q13.33.
Variant type: single nucleotide variant.
Coding change: c.3082C>T on transcript NM_020461.4 (MANE Select); coding-DNA position 3082, C replaced by T.
Protein change: p.Gln1028Ter; replaces glutamine 1028 with a stop codon.
Molecular consequence: nonsense.
Genome position (GRCh38, 1-based): chr22:50,221,277, G>A on the plus strand (C>T on the coding strand, the complement: TUBGCP6 is on the minus strand). VCF-style: chr22-50221277-G-A. GRCh37 (hg19) VCF-style: chr22-50659706-G-A.
Other names: short protein forms Q1028*.
Identifiers: ClinVar variation 1076117 (VCV001076117.7), dbSNP rs755344399, ClinGen allele CA10308058.

ClinVar aggregate classification (germline): Pathogenic (1 of 4 stars; one submission).

Allele frequency attached by ClinVar (database versions not stated): gnomAD exomes below 0.00001; ExAC 0.00001.

Submission:

Labcorp Genetics (formerly Invitae), Labcorp
Classification: Pathogenic. Last evaluated: 2020-10-19. Review status: criteria provided, single submitter. Criteria: Invitae Variant Classification Sherloc (09022015). Collection method: clinical testing. Allele origin: germline.
Comment: This variant has not been reported in the literature in individuals with TUBGCP6-related conditions. This variant is present in population databases (rs755344399, ExAC 0.002%). This sequence change creates a premature translational stop signal (p.Gln1028*) in the TUBGCP6 gene. It is expected to result in an absent or disrupted protein product. Loss-of-function variants in TUBGCP6 are known to be pathogenic (PMID: 25344692). For these reasons, this variant has been classified as Pathogenic. Algorithms developed to predict the effect of sequence changes on RNA splicing suggest that this variant may create or strengthen a splice site, but this prediction has not been confirmed by published transcriptional studies.

Literature cited by the submitters: PubMed 25344692.